The following is an entry in ClinVar:

NM_005530.3(IDH3A):c.379T>C (p.Cys127Arg)

Gene: IDH3A (isocitrate dehydrogenase (NAD(+)) 3 catalytic subunit alpha; plus strand). Cytogenetic location: 15q25.1.
Variant type: single nucleotide variant.
Coding change: c.379T>C on transcript NM_005530.3 (MANE Select); coding-DNA position 379, T replaced by C.
Protein change: p.Cys127Arg; replaces cysteine 127 with arginine.
Molecular consequence: missense variant.
Genome position (GRCh38, 1-based): chr15:78,161,670, T>C. VCF-style: chr15-78161670-T-C. GRCh37 (hg19) VCF-style: chr15-78454012-T-C.
Other names: short protein forms C127R.
Identifiers: ClinVar variation 1351941 (VCV001351941.8), dbSNP rs2074682547, ClinGen allele CA393542492.

ClinVar aggregate classification (germline): Uncertain significance (1 of 4 stars; one submission).

Allele frequency attached by ClinVar (database versions not stated): gnomAD exomes below 0.00001.
gnomAD v4.1: 1 of 1,614,168 alleles (0.000062%); highest among the groups gnomAD compares: Non-Finnish European, 0.000085%; no homozygotes.

Submission:

Labcorp Genetics (formerly Invitae), Labcorp
Classification: Uncertain significance. Last evaluated: 2020-11-27. Review status: criteria provided, single submitter. Criteria: Invitae Variant Classification Sherloc (09022015). Collection method: clinical testing. Allele origin: germline.
Comment: In summary, the available evidence is currently insufficient to determine the role of this variant in disease. Therefore, it has been classified as a Variant of Uncertain Significance. Algorithms developed to predict the effect of missense changes on protein structure and function are either unavailable or do not agree on the potential impact of this missense change (SIFT: "Deleterious"; PolyPhen-2: "Probably Damaging"; Align-GVGD: "Class C0"). This variant has not been reported in the literature in individuals with IDH3A-related conditions. This variant is not present in population databases (ExAC no frequency). This sequence change replaces cysteine with arginine at codon 127 of the IDH3A protein (p.Cys127Arg). The cysteine residue is highly conserved and there is a large physicochemical difference between cysteine and arginine.